The following is an entry in ClinVar:

ClinVar aggregate classification (germline): Uncertain significance (1 of 4 stars; one submission).

Conditions:
Hereditary cancer-predisposing syndrome. Also called: Neoplastic Syndromes, Hereditary; Tumor predisposition; Hereditary Cancer Syndrome; Hereditary neoplastic syndrome. Identifiers: Orphanet 140162, MedGen C0027672, MeSH D009386, MONDO:0015356.

Submission:

Ambry Genetics
Classification: Uncertain significance for Hereditary cancer-predisposing syndrome. Last evaluated: 2025-10-13. Review status: criteria provided, single submitter. Criteria: Ambry Variant Classification Scheme 2023. Collection method: clinical testing. Allele origin: germline.
Comment: The p.S282Y variant (also known as c.845C>A), located in coding exon 3 of the PHOX2B gene, results from a C to A substitution at nucleotide position 845. The serine at codon 282 is replaced by tyrosine, an amino acid with dissimilar properties. This amino acid position is conserved. In addition, the in silico prediction for this alteration is inconclusive. Based on the available evidence, the clinical significance of this variant remains unclear.

NM_003924.4(PHOX2B):c.845C>A (p.Ser282Tyr)

Gene: PHOX2B (paired like homeobox 2B; minus strand). Cytogenetic location: 4p13.
Variant type: single nucleotide variant.
Coding change: c.845C>A on transcript NM_003924.4 (MANE Select); coding-DNA position 845, C replaced by A.
Protein change: p.Ser282Tyr; replaces serine 282 with tyrosine.
Molecular consequence: missense variant.
Genome position (GRCh38, 1-based): chr4:41,745,907, G>T on the plus strand (C>A on the coding strand, the complement: PHOX2B is on the minus strand). VCF-style: chr4-41745907-G-T. GRCh37 (hg19) VCF-style: chr4-41747924-G-T.
Other names: short protein forms S282Y.
Identifiers: ClinVar variation 4665954 (VCV004665954.1).
Genomic context (GRCh38, chr4:41,745,907, plus strand): 5'-TTGGGTCTTTGGAGCGAAGATAGGACGCTGGCGAAGGGACCCCCAAGCGAATCCGGGATG[G>T]AGGTGATGGGGCCGGGGCCGGGAGCCCAGCCTTGTCCAGGGCCCCCAGCCGCAGCCAGGC-3'
Protein context (NP_003915.2, residues 272-292): GWAPGPGPIT[Ser282Tyr]IPDSLGGPFA